The following is an entry in ClinVar:

ClinVar aggregate classification (germline): Pathogenic (1 of 4 stars; one submission).

Conditions:
Polyglandular autoimmune syndrome, type 1 (APS1). Also called: HYPOADRENOCORTICISM WITH HYPOPARATHYROIDISM AND SUPERFICIAL MONILIASIS; Autoimmune polyendocrine syndrome type 1; PGA I; Whitaker syndrome; AUTOIMMUNE POLYENDOCRINE SYNDROME, TYPE I, WITH OR WITHOUT REVERSIBLE METAPHYSEAL DYSPLASIA; APS I. Identifiers: Orphanet 3453, MedGen C0085859, MONDO:0009411, OMIM 240300.

Submission:

Labcorp Genetics (formerly Invitae), Labcorp
Classification: Pathogenic for Polyglandular autoimmune syndrome, type 1. Last evaluated: 2023-09-03. Review status: criteria provided, single submitter. Criteria: Invitae Variant Classification Sherloc (09022015). Collection method: clinical testing. Allele origin: germline.
Comment: This variant is present in population databases (no rsID available, gnomAD 0.007%). For these reasons, this variant has been classified as Pathogenic. This variant disrupts a region of the AIRE protein in which other variant(s) (p.Pro539Leu) have been determined to be pathogenic (PMID: 11836330, 15811934, 17289071, 21295522, 28446514). This suggests that this is a clinically significant region of the protein, and that variants that disrupt it are likely to be disease-causing. This variant has not been reported in the literature in individuals affected with AIRE-related conditions. This sequence change creates a premature translational stop signal (p.Val484Profs*28) in the AIRE gene. While this is not anticipated to result in nonsense mediated decay, it is expected to disrupt the last 62 amino acid(s) of the AIRE protein.

Literature cited by the submitters: PubMed 11836330; PubMed 15811934; PubMed 17289071; PubMed 21295522; PubMed 28446514.

NM_000383.4(AIRE):c.1449_1476del (p.Val484fs)

Gene: AIRE (autoimmune regulator; plus strand). Cytogenetic location: 21q22.3.
Variant type: Deletion.
Coding change: c.1449_1476del on transcript NM_000383.4 (MANE Select); coding-DNA positions 1449 to 1476, 28 bases deleted (TGTGGAGGGGGTGCTGGCCCCCAGCCCC).
Protein change: p.Val484fs; shifts the reading frame from valine 484.
Molecular consequence: frameshift variant.
Genome position (GRCh38, 1-based): chr21:44,294,449-44,294,476, TGTGGAGGGGGTGCTGGCCCCCAGCCCC deleted; deleting any 28 consecutive bases within chr21:44,294,439-44,294,476 gives the same sequence; the c. name uses the placement nearest the transcript's 3' end. VCF-style (leftmost placement, unchanged base first): chr21-44294438-ACCCCAGCCCCTGTGGAGGGGGTGCTGGC-A. GRCh37 (hg19) VCF-style: chr21-45714321-ACCCCAGCCCCTGTGGAGGGGGTGCTGGC-A.
Other names: short protein forms V484fs.
Identifiers: ClinVar variation 2757391 (VCV002757391.3), dbSNP rs1268377224, ClinGen allele CA638116149.